The following is an entry in ClinVar:

ClinVar aggregate classification (germline): Likely benign (1 of 4 stars; one submission).

Conditions:
IFT81-related disorder. Also called: IFT81-related condition.

gnomAD v4.1: 1 of 1,548,702 alleles (0.000065%); highest among the groups gnomAD compares: Non-Finnish European, 0.000087%; no homozygotes.

Submission:

PreventionGenetics, part of Exact Sciences
Classification: Likely benign for IFT81-related condition. Last evaluated: 2024-11-07. Review status: criteria provided, single submitter. Criteria: ACMG Guidelines, 2015. Collection method: clinical testing. Allele origin: germline.
Comment: This variant is classified as likely benign based on ACMG/AMP sequence variant interpretation guidelines (Richards et al. 2015 PMID: 25741868, with internal and published modifications).

NM_014055.4(IFT81):c.1344T>C (p.Thr448=)

Gene: IFT81 (intraflagellar transport 81; plus strand). Cytogenetic location: 12q24.11.
Variant type: single nucleotide variant.
Coding change: c.1344T>C on transcript NM_014055.4 (MANE Select); coding-DNA position 1344, T replaced by C.
Protein change: p.Thr448=; no amino-acid change (threonine 448 retained).
Molecular consequence: synonymous variant. On other transcripts: non-coding transcript variant (4).
Genome position (GRCh38, 1-based): chr12:110,190,925, T>C. VCF-style: chr12-110190925-T-C. GRCh37 (hg19) VCF-style: chr12-110628730-T-C.
Other names: c.1344T>C, p.Thr448= (NM_001143779.2); c.414T>C, p.Thr138= (NM_001347947.2, NM_001347948.2).
Identifiers: ClinVar variation 4997029 (VCV004997029.1).